The following is an entry in ClinVar:

NM_001378477.3(NYX):c.281C>T (p.Ser94Phe)

Gene: NYX (nyctalopin; plus strand). Cytogenetic location: Xp11.4.
Variant type: single nucleotide variant.
Coding change: c.281C>T on transcript NM_001378477.3 (MANE Select); coding-DNA position 281, C replaced by T.
Protein change: p.Ser94Phe; replaces serine 94 with phenylalanine.
Molecular consequence: missense variant.
Genome position (GRCh38, 1-based): chrX:41,473,749, C>T. VCF-style: chrX-41473749-C-T. GRCh37 (hg19) VCF-style: chrX-41333002-C-T.
Other names: c.281C>T, p.Ser94Phe (NM_022567.3); short protein forms S99F, S94F.
Identifiers: ClinVar variation 955555 (VCV000955555.11), dbSNP rs777112148, ClinGen allele CA10389796.
Genomic context (GRCh38, chrX:41,473,749, plus strand): 5'-AGCGAGCCTTCGGCACGCTGCCGTCCTTGCGCCGCCTGTCGCTGCGCCACAACAACCTGT[C>T]CTTCATCACGCCCGGCGCCTTCAAGGGCCTGCCGCGCCTGGCTGAGCTGCGCCTGGCGCA-3'
Protein context (NP_001365406.2, residues 84-104): RRLSLRHNNL[Ser94Phe]FITPGAFKGL

ClinVar aggregate classification (germline): Conflicting classifications of pathogenicity. Review status: criteria provided, conflicting classifications (1 of 4 stars). 3 submissions from 3 submitters: Uncertain significance (2); Likely benign (1). Last evaluated 2025-08-29.

Conditions:
Inborn genetic diseases. Identifiers: MedGen C0950123, MeSH D030342.

Allele frequency attached by ClinVar (database versions not stated): gnomAD 0.00001; gnomAD exomes 0.00001; ExAC 0.00003.
gnomAD v4.1: 7 of 1,154,721 alleles (0.00061%); highest among the groups gnomAD compares: Middle Eastern, 0.024%; no homozygotes.

Submissions (3):

Ambry Genetics
Classification: Uncertain significance for Inborn genetic diseases. Last evaluated: 2025-08-29. Review status: criteria provided, single submitter. Criteria: Ambry Variant Classification Scheme 2023. Collection method: clinical testing. Allele origin: germline.

Labcorp Genetics (formerly Invitae), Labcorp
Classification: Uncertain significance. Last evaluated: 2022-08-16. Review status: criteria provided, single submitter. Criteria: Invitae Variant Classification Sherloc (09022015). Collection method: clinical testing. Allele origin: germline.
Comment: The frequency data for this variant in the population databases is considered unreliable, as metrics indicate poor data quality at this position in the gnomAD database. This sequence change replaces serine, which is neutral and polar, with phenylalanine, which is neutral and non-polar, at codon 99 of the NYX protein (p.Ser99Phe). This variant has not been reported in the literature in individuals affected with NYX-related conditions. In summary, the available evidence is currently insufficient to determine the role of this variant in disease. Therefore, it has been classified as a Variant of Uncertain Significance. Algorithms developed to predict the effect of missense changes on protein structure and function (SIFT, PolyPhen-2, Align-GVGD) all suggest that this variant is likely to be disruptive. ClinVar contains an entry for this variant (Variation ID: 955555).

Blueprint Genetics
Classification: Likely benign. Last evaluated: 2020-09-18. Review status: criteria provided, single submitter. Criteria: ACMG Guidelines, 2015. Collection method: clinical testing. Allele origin: germline.